The following is an entry in ClinVar:

ClinVar aggregate classification (germline): Likely benign (1 of 4 stars; one submission).

gnomAD v4.1: 16 of 1,613,950 alleles (0.00099%); highest among the groups gnomAD compares: Non-Finnish European, 0.0014%; no homozygotes.

Submission:

CeGaT Center for Human Genetics Tuebingen
Classification: Likely benign. Last evaluated: 2024-02-01. Review status: criteria provided, single submitter. Criteria: CeGaT Center For Human Genetics Tuebingen Variant Classification Criteria Version 2. Collection method: clinical testing. Allele origin: germline. Affected: yes. Observed: 1 variant allele.
Comment: SLC17A8: BP4, BP7

NM_139319.3(SLC17A8):c.1707C>A (p.Thr569=)

Gene: SLC17A8 (solute carrier family 17 member 8; plus strand). Cytogenetic location: 12q23.1.
Variant type: single nucleotide variant.
Coding change: c.1707C>A on transcript NM_139319.3 (MANE Select); coding-DNA position 1707, C replaced by A.
Protein change: p.Thr569=; no amino-acid change (threonine 569 retained).
Molecular consequence: synonymous variant.
Genome position (GRCh38, 1-based): chr12:100,420,096, C>A. VCF-style: chr12-100420096-C-A. GRCh37 (hg19) VCF-style: chr12-100813874-C-A.
Other names: c.1557C>A, p.Thr519= (NM_001145288.2).
Identifiers: ClinVar variation 3027153 (VCV003027153.22), dbSNP rs778368300, ClinGen allele CA6739086.